The following is an entry in ClinVar:

ClinVar aggregate classification (germline): Benign/Likely benign. Review status: criteria provided, multiple submitters, no conflicts (2 of 4 stars). 4 submissions from 4 submitters: Benign (2); Likely benign (2). Last evaluated 2024-06-24.

Conditions:
Holt-Oram syndrome (HOS). Also called: Ventriculo-radial syndrome; Cardiac-limb syndrome; Heart-hand syndrome, type 1; TBX5-Related Holt-Oram Syndrome. Identifiers: Orphanet 392, MedGen C0265264, MONDO:0007732, OMIM 142900.
Aortic valve disease 2 (AOVD2). Identifiers: MedGen C3542024, MONDO:0013902, OMIM 614823.

Allele frequency attached by ClinVar (database versions not stated): gnomAD 0.00003; TOPMed 0.00004.
gnomAD v4.1: 43 of 1,597,050 alleles (0.0027%); highest among the groups gnomAD compares: Middle Eastern, 0.12%; no homozygotes.

Submissions (4):

Women's Health and Genetics/Laboratory Corporation of America, LabCorp
Classification: Benign. Last evaluated: 2024-06-24. Review status: criteria provided, single submitter. Criteria: LabCorp Variant Classification Summary - May 2015. Collection method: clinical testing. Allele origin: germline.

Labcorp Genetics (formerly Invitae), Labcorp
Classification: Likely benign for Aortic valve disease 2. Last evaluated: 2024-03-14. Review status: criteria provided, single submitter. Criteria: Invitae Variant Classification Sherloc (09022015). Collection method: clinical testing. Allele origin: germline.

Blueprint Genetics
Classification: Likely benign. Last evaluated: 2023-12-20. Review status: criteria provided, single submitter. Criteria: ACMG Guidelines, 2015. Collection method: clinical testing. Allele origin: germline.

Illumina Laboratory Services, Illumina
Classification: Benign for Holt-Oram syndrome. Last evaluated: 2018-01-13. Review status: criteria provided, single submitter. Criteria: ICSL Variant Classification Criteria 13 December 2019. Collection method: clinical testing. Allele origin: germline.
Comment: This variant was observed in the ICSL laboratory as part of a predisposition screen in an ostensibly healthy population. It had not been previously curated by ICSL or reported in the Human Gene Mutation Database (HGMD: prior to June 1st, 2018), and was therefore a candidate for classification through an automated scoring system. Utilizing variant allele frequency, disease prevalence and penetrance estimates, and inheritance mode, an automated score was calculated to assess if this variant is too frequent to cause the disease. Based on the score and internal cut-off values, a variant classified as benign is not then subjected to further curation. The score for this variant resulted in a classification of benign for this disease.

NM_181486.4(TBX5):c.363-6A>G

Gene: TBX5 (T-box transcription factor 5; minus strand). Cytogenetic location: 12q24.21.
Variant type: single nucleotide variant.
Coding change: c.363-6A>G on transcript NM_181486.4 (MANE Select); 6 bases into the intron before coding-DNA position 363, A replaced by G.
Molecular consequence: intron variant.
Genome position (GRCh38, 1-based): chr12:114,398,726, T>C on the plus strand (A>G on the coding strand, the complement: TBX5 is on the minus strand). VCF-style: chr12-114398726-T-C. GRCh37 (hg19) VCF-style: chr12-114836531-T-C.
Other names: c.213-6A>G (NM_080717.4); c.363-6A>G (NM_000192.3).
Identifiers: ClinVar variation 701877 (VCV000701877.12), dbSNP rs757819289, ClinGen allele CA6809622.
Genomic context (GRCh38, chr12:114,398,726, plus strand): 5'-TGGGTGCACGTACAGGCGGCCAGGCATGGCGGGCTCAGCTTTGCCCGTCACAGACCTAGA[T>C]GAAGGAGAGGTGTACTAGAGGCCTGGCTCAGAGTCTGGAGGTAGCGCACTGCACCGAAGC-3'